The following is an entry in ClinVar:

ClinVar aggregate classification (germline): Conflicting classifications of pathogenicity. Review status: criteria provided, conflicting classifications (1 of 4 stars). 6 submissions from 6 submitters: Uncertain significance (2); Benign (1); Likely benign (2). 1 of the submissions does not count toward it. Last evaluated 2026-01-19.

Conditions:
CAVIN1-related disorder. Also called: CAVIN1-related condition.
Congenital generalized lipodystrophy type 4. Also called: BERARDINELLI-SEIP CONGENITAL LIPODYSTROPHY, TYPE 4, WITH MUSCULAR DYSTROPHY. Identifiers: Orphanet 228429, MedGen C2750069, MONDO:0013225, OMIM 613327.

Allele frequency attached by ClinVar (database versions not stated): TOPMed 0.00034; gnomAD 0.00038; ExAC 0.00042; gnomAD exomes 0.00054; ESP Exome Variant Server 0.00069.
gnomAD v4.1: 622 of 1,613,938 alleles (0.039%); highest among the groups gnomAD compares: Middle Eastern, 0.049%; 2 homozygotes.

Submissions (6):

Labcorp Genetics (formerly Invitae), Labcorp
Classification: Benign. Last evaluated: 2026-01-19. Review status: criteria provided, single submitter. Criteria: Invitae Variant Classification Sherloc (09022015). Collection method: clinical testing. Allele origin: germline.

Mayo Clinic Laboratories, Mayo Clinic
Classification: Likely benign. Last evaluated: 2025-09-04. Review status: criteria provided, single submitter. Criteria: ACMG Guidelines, 2015. Collection method: clinical testing. Allele origin: germline. Observed: 1 variant allele.
Comment: BA1

GeneDx
Classification: Likely benign. Last evaluated: 2021-03-26. Review status: criteria provided, single submitter. Criteria: GeneDx Variant Classification Process June 2021. Collection method: clinical testing. Allele origin: germline. Affected: yes.
Comment: This variant is associated with the following publications: (PMID: 32041611)

Illumina Laboratory Services, Illumina
Classification: Uncertain significance for Congenital generalized lipodystrophy type 4. Last evaluated: 2018-01-12. Review status: criteria provided, single submitter. Criteria: ICSL Variant Classification Criteria 13 December 2019. Collection method: clinical testing. Allele origin: germline.

Eurofins Ntd Llc (ga)
Classification: Uncertain significance. Last evaluated: 2015-01-30. Review status: criteria provided, single submitter. Criteria: EGL Classification Definitions 2015. Collection method: clinical testing. Allele origin: germline. Observed: 1 variant allele, 1 heterozygote.

PreventionGenetics, part of Exact Sciences
Classification: Likely benign for CAVIN1-related condition. Last evaluated: 2020-10-26. Review status: no assertion criteria provided. Collection method: clinical testing. Allele origin: germline. Not counted in ClinVar's aggregate classification.
Comment: This variant is classified as likely benign based on ACMG/AMP sequence variant interpretation guidelines (Richards et al. 2015 PMID: 25741868, with internal and published modifications).

Literature cited by the submitters: PubMed 32041611 (cited by Mayo Clinic Laboratories, Mayo Clinic).

NM_012232.6(CAVIN1):c.168C>A (p.Ser56Arg)

Gene: CAVIN1 (caveolae associated protein 1; minus strand). Cytogenetic location: 17q21.2.
Variant type: single nucleotide variant.
Coding change: c.168C>A on transcript NM_012232.6 (MANE Select); coding-DNA position 168, C replaced by A.
Protein change: p.Ser56Arg; replaces serine 56 with arginine.
Molecular consequence: missense variant.
Genome position (GRCh38, 1-based): chr17:42,422,930, G>T on the plus strand (C>A on the coding strand, the complement: CAVIN1 is on the minus strand). VCF-style: chr17-42422930-G-T. GRCh37 (hg19) VCF-style: chr17-40574948-G-T.
Other names: p.Ser56Arg; short protein forms S56R.
Identifiers: ClinVar variation 193359 (VCV000193359.19), dbSNP rs139531639, ClinGen allele CA238877.